The following is an entry in ClinVar:

ClinVar aggregate classification (germline): Uncertain significance. Review status: criteria provided, multiple submitters, no conflicts (2 of 4 stars). 2 submissions from 2 submitters: Uncertain significance (2). Last evaluated 2025-01-28.

Allele frequency attached by ClinVar (database versions not stated): gnomAD 0.00001; gnomAD exomes 0.00001; TOPMed 0.00001.
gnomAD v4.1: 10 of 1,578,766 alleles (0.00063%); highest among the groups gnomAD compares: Middle Eastern, 0.017%; no homozygotes.

Submissions (2):

Labcorp Genetics (formerly Invitae), Labcorp
Classification: Uncertain significance. Last evaluated: 2025-01-28. Review status: criteria provided, single submitter. Criteria: Invitae Variant Classification Sherloc (09022015). Collection method: clinical testing. Allele origin: germline.
Comment: This sequence change replaces arginine, which is basic and polar, with glutamine, which is neutral and polar, at codon 1126 of the DCHS1 protein (p.Arg1126Gln). The frequency data for this variant in the population databases is considered unreliable, as metrics indicate poor data quality at this position in the gnomAD database. This variant has not been reported in the literature in individuals affected with DCHS1-related conditions. ClinVar contains an entry for this variant (Variation ID: 1315150). Invitae Evidence Modeling of protein sequence and biophysical properties (such as structural, functional, and spatial information, amino acid conservation, physicochemical variation, residue mobility, and thermodynamic stability) indicates that this missense variant is not expected to disrupt DCHS1 protein function with a negative predictive value of 80%. In summary, the available evidence is currently insufficient to determine the role of this variant in disease. Therefore, it has been classified as a Variant of Uncertain Significance.

GeneDx
Classification: Uncertain significance. Last evaluated: 2020-02-11. Review status: criteria provided, single submitter. Criteria: GeneDx Variant Classification Process June 2021. Collection method: clinical testing. Allele origin: germline. Affected: yes.
Comment: Not observed at a significant frequency in large population cohorts (Lek et al., 2016); In silico analysis supports that this missense variant does not alter protein structure/function; Has not been previously published as pathogenic or benign to our knowledge

NM_003737.4(DCHS1):c.3377G>A (p.Arg1126Gln)

Gene: DCHS1 (dachsous cadherin-related 1; minus strand). Cytogenetic location: 11p15.4.
Variant type: single nucleotide variant.
Coding change: c.3377G>A on transcript NM_003737.4 (MANE Select); coding-DNA position 3377, G replaced by A.
Protein change: p.Arg1126Gln; replaces arginine 1126 with glutamine.
Molecular consequence: missense variant.
Genome position (GRCh38, 1-based): chr11:6,632,135, C>T on the plus strand (G>A on the coding strand, the complement: DCHS1 is on the minus strand). VCF-style: chr11-6632135-C-T. GRCh37 (hg19) VCF-style: chr11-6653366-C-T.
Other names: short protein forms R1126Q.
Identifiers: ClinVar variation 1315150 (VCV001315150.7), dbSNP rs769293448, ClinGen allele CA5860554.